The following is an entry in ClinVar:

ClinVar aggregate classification (germline): Uncertain significance (1 of 4 stars; one submission).

Allele frequency attached by ClinVar (database versions not stated): gnomAD exomes below 0.00001.
gnomAD v4.1: 1 of 1,614,172 alleles (0.000062%); highest among the groups gnomAD compares: Non-Finnish European, 0.000085%; no homozygotes.

Submission:

Labcorp Genetics (formerly Invitae), Labcorp
Classification: Uncertain significance. Last evaluated: 2023-05-22. Review status: criteria provided, single submitter. Criteria: Invitae Variant Classification Sherloc (09022015). Collection method: clinical testing. Allele origin: germline.
Comment: This sequence change replaces glutamic acid, which is acidic and polar, with lysine, which is basic and polar, at codon 1798 of the CACNA1D protein (p.Glu1798Lys). In summary, the available evidence is currently insufficient to determine the role of this variant in disease. Therefore, it has been classified as a Variant of Uncertain Significance. An algorithm developed to predict the effect of missense changes on protein structure and function (PolyPhen-2) suggests that this variant is likely to be tolerated. ClinVar contains an entry for this variant (Variation ID: 1491291). This variant has not been reported in the literature in individuals affected with CACNA1D-related conditions. This variant is not present in population databases (gnomAD no frequency).

NM_001128840.3(CACNA1D):c.5332G>A (p.Glu1778Lys)

Gene: CACNA1D (calcium voltage-gated channel subunit alpha1 D; plus strand). Cytogenetic location: 3p21.1.
Variant type: single nucleotide variant.
Coding change: c.5332G>A on transcript NM_001128840.3 (MANE Select); coding-DNA position 5332, G replaced by A.
Protein change: p.Glu1778Lys; replaces glutamic acid 1778 with lysine.
Molecular consequence: missense variant.
Genome position (GRCh38, 1-based): chr3:53,801,349, G>A. VCF-style: chr3-53801349-G-A. GRCh37 (hg19) VCF-style: chr3-53835376-G-A.
Other names: c.5392G>A, p.Glu1798Lys (NM_000720.4); c.5287G>A, p.Glu1763Lys (NM_001128839.3); short protein forms E1798K, E1763K, E1778K.
Identifiers: ClinVar variation 1491291 (VCV001491291.8), dbSNP rs2106780761, ClinGen allele CA353251535.